The following is an entry in ClinVar:

NM_033056.4(PCDH15):c.5194G>A (p.Glu1732Lys)

Gene: PCDH15 (protocadherin related 15; minus strand). Cytogenetic location: 10q21.1.
Variant type: single nucleotide variant.
Coding change: c.5194G>A on transcript NM_033056.4 (MANE Plus Clinical); coding-DNA position 5194, G replaced by A.
Protein change: p.Glu1732Lys; replaces glutamic acid 1732 with lysine.
Molecular consequence: missense variant. On other transcripts: intron variant (8).
Genome position (GRCh38, 1-based): chr10:53,822,532, C>T on the plus strand (G>A on the coding strand, the complement: PCDH15 is on the minus strand). VCF-style: chr10-53822532-C-T. GRCh37 (hg19) VCF-style: chr10-55582292-C-T.
Other names: c.5215G>A, p.Glu1739Lys (NM_001142763.2); c.5200G>A, p.Glu1734Lys (NM_001142764.2); c.4987G>A, p.Glu1663Lys (NM_001142765.2); c.5185G>A, p.Glu1729Lys (NM_001142766.2); c.5074G>A, p.Glu1692Lys (NM_001142767.2); c.5134G>A, p.Glu1712Lys (NM_001142768.2); c.5125G>A, p.Glu1709Lys (NM_001142773.2); c.5128G>A, p.Glu1710Lys (NM_001354404.2); and 7 more; short protein forms E1712K, E1663K, E1709K, E1732K, E1692K, E1734K, E1739K, E1710K.
Identifiers: ClinVar variation 1376540 (VCV001376540.7), dbSNP rs779147587, ClinGen allele CA5505108.

ClinVar aggregate classification (germline): Uncertain significance. Review status: criteria provided, multiple submitters, no conflicts (2 of 4 stars). 2 submissions from 2 submitters: Uncertain significance (2). Last evaluated 2021-08-20.

Allele frequency attached by ClinVar (database versions not stated): gnomAD exomes below 0.00001 and 0.00001; TOPMed below 0.00001; ExAC 0.00001; gnomAD 0.00001.
gnomAD v4.1: 5 of 1,613,230 alleles (0.00031%); highest among the groups gnomAD compares: Non-Finnish European, 0.00042%; no homozygotes.

Submissions (2):

Labcorp Genetics (formerly Invitae), Labcorp
Classification: Uncertain significance. Last evaluated: 2021-08-20. Review status: criteria provided, single submitter. Criteria: Invitae Variant Classification Sherloc (09022015). Collection method: clinical testing. Allele origin: germline.
Comment: This sequence change replaces glutamic acid with lysine at codon 1732 of the PCDH15 protein (p.Glu1732Lys). The glutamic acid residue is moderately conserved and there is a small physicochemical difference between glutamic acid and lysine. This variant is present in population databases (rs779147587, ExAC 0.002%). This variant has not been reported in the literature in individuals affected with PCDH15-related conditions. Algorithms developed to predict the effect of missense changes on protein structure and function (SIFT, PolyPhen-2, Align-GVGD) all suggest that this variant is likely to be tolerated. In summary, the available evidence is currently insufficient to determine the role of this variant in disease. Therefore, it has been classified as a Variant of Uncertain Significance.

Blueprint Genetics
Classification: Uncertain significance. Last evaluated: 2019-12-05. Review status: criteria provided, single submitter. Criteria: ACMG Guidelines, 2015. Collection method: clinical testing. Allele origin: germline.